The following is an entry in ClinVar:

NM_001437.3(ESR2):c.712_732del (p.Gln238_Lys244del)

Gene: ESR2 (estrogen receptor 2; minus strand). Cytogenetic location: 14q23.2.
Variant type: Deletion.
Coding change: c.712_732del on transcript NM_001437.3 (MANE Select); coding-DNA positions 712 to 732, 21 bases deleted (CAGCTGCACTGTGCCGGCAAG).
Protein change: p.Gln238_Lys244del.
Molecular consequence: inframe deletion. On other transcripts: non-coding transcript variant (2).
Genome position (GRCh38, 1-based): chr14:64,260,669-64,260,689, CTTGCCGGCACAGTGCAGCTG deleted on the plus strand (CAGCTGCACTGTGCCGGCAAG on the coding strand, the reverse complement: ESR2 is on the minus strand); deleting any 21 consecutive bases within chr14:64,260,669-64,260,691 gives the same sequence; the c. name uses the placement nearest the transcript's 3' end. VCF-style (leftmost placement, unchanged base first): chr14-64260668-CCTTGCCGGCACAGTGCAGCTG-C. GRCh37 (hg19) VCF-style: chr14-64727386-CCTTGCCGGCACAGTGCAGCTG-C.
Other names: c.712_732del, p.Gln238_Lys244del (NM_001040275.1, NM_001214902.1, NM_001271876.1 and 3 more transcripts).
Identifiers: ClinVar variation 2849269 (VCV002849269.4), dbSNP rs547381222, ClinGen allele CA7225469.

ClinVar aggregate classification (germline): Conflicting classifications of pathogenicity. Review status: criteria provided, conflicting classifications (1 of 4 stars). 2 submissions from 2 submitters: Uncertain significance (1); Likely benign (1). Last evaluated 2025-09-05.

Submissions (2):

Labcorp Genetics (formerly Invitae), Labcorp
Classification: Uncertain significance. Last evaluated: 2025-09-05. Review status: criteria provided, single submitter. Criteria: Invitae Variant Classification Sherloc (09022015). Collection method: clinical testing. Allele origin: germline.
Comment: This variant, c.712_732del, results in the deletion of 7 amino acid(s) of the ESR2 protein (p.Gln238_Lys244del), but otherwise preserves the integrity of the reading frame. This variant is present in population databases (rs547381222, gnomAD 0.2%), and has an allele count higher than expected for a pathogenic variant. This variant has not been reported in the literature in individuals affected with ESR2-related conditions. ClinVar contains an entry for this variant (Variation ID: 2849269). Experimental studies and prediction algorithms are not available or were not evaluated, and the functional significance of this variant is currently unknown. In summary, the available evidence is currently insufficient to determine the role of this variant in disease. Therefore, it has been classified as a Variant of Uncertain Significance.

Blueprint Genetics
Classification: Likely benign. Last evaluated: 2024-11-11. Review status: criteria provided, single submitter. Criteria: ACMG Guidelines, 2015. Collection method: clinical testing. Allele origin: germline.